The following is an entry in ClinVar:

NM_020795.4(NLGN2):c.514C>T (p.Arg172Cys)

Gene: NLGN2 (neuroligin 2; plus strand). Cytogenetic location: 17p13.1.
Variant type: single nucleotide variant.
Coding change: c.514C>T on transcript NM_020795.4 (MANE Select); coding-DNA position 514, C replaced by T.
Protein change: p.Arg172Cys; replaces arginine 172 with cysteine.
Molecular consequence: missense variant.
Genome position (GRCh38, 1-based): chr17:7,414,349, C>T. VCF-style: chr17-7414349-C-T. GRCh37 (hg19) VCF-style: chr17-7317668-C-T.
Other names: short protein forms R172C.
Identifiers: ClinVar variation 4760601 (VCV004760601.1).

ClinVar aggregate classification (germline): Uncertain significance (1 of 4 stars; one submission).

Submission:

Labcorp Genetics (formerly Invitae), Labcorp
Classification: Uncertain significance. Last evaluated: 2025-06-03. Review status: criteria provided, single submitter. Criteria: Invitae Variant Classification Sherloc (09022015). Collection method: clinical testing. Allele origin: germline.
Comment: This sequence change replaces arginine, which is basic and polar, with cysteine, which is neutral and slightly polar, at codon 172 of the NLGN2 protein (p.Arg172Cys). This variant is present in population databases (rs748846516, gnomAD 0.002%). This variant has not been reported in the literature in individuals affected with NLGN2-related conditions. Invitae Evidence Modeling of protein sequence and biophysical properties (such as structural, functional, and spatial information, amino acid conservation, physicochemical variation, residue mobility, and thermodynamic stability) indicates that this missense variant is expected to disrupt NLGN2 protein function with a positive predictive value of 80%. In summary, the available evidence is currently insufficient to determine the role of this variant in disease. Therefore, it has been classified as a Variant of Uncertain Significance.